The following is an entry in ClinVar:

NM_016239.4(MYO15A):c.997G>T (p.Glu333Ter)

Gene: MYO15A (myosin XVA; plus strand). Cytogenetic location: 17p11.2.
Variant type: single nucleotide variant.
Coding change: c.997G>T on transcript NM_016239.4 (MANE Select); coding-DNA position 997, G replaced by T.
Protein change: p.Glu333Ter; replaces glutamic acid 333 with a stop codon.
Molecular consequence: nonsense.
Genome position (GRCh38, 1-based): chr17:18,119,797, G>T. VCF-style: chr17-18119797-G-T. GRCh37 (hg19) VCF-style: chr17-18023111-G-T.
Other names: short protein forms E333*.
Identifiers: ClinVar variation 3075854 (VCV003075854.1), dbSNP rs772104371, ClinGen allele CA398576916.

ClinVar aggregate classification (germline): Likely pathogenic (1 of 4 stars; one submission).

Conditions:
Rare genetic deafness. Identifiers: Orphanet 96210, MedGen C5680250.

gnomAD v4.1: 5 of 1,613,092 alleles (0.00031%); highest among the groups gnomAD compares: Non-Finnish European, 0.00042%; no homozygotes.

Submission:

Laboratory for Molecular Medicine, Mass General Brigham Personalized Medicine
Classification: Likely pathogenic for Rare genetic deafness. Last evaluated: 2022-06-30. Review status: criteria provided, single submitter. Criteria: ACMG Guidelines, 2015. Collection method: clinical testing. Allele origin: germline.
Comment: The p.Glu333X variant in MYO15A has not been reported in individuals with nonsyndromic hearing loss and was absent from large population studies. This nonsense variant leads to a premature termination codon at position 333, which is predicted to lead to a truncated or absent protein. Loss of function of the MYO15A gene is an established disease mechanism in autosomal recessive nonsyndromic hearing loss. In summary, although additional studies are required to fully establish its clinical significance, this variant meets criteria to be classified as likely pathogenic for autosomal recessive nonsyndromic hearing loss. ACMG/AMP Criteria applied: PVS1, PM2_P.